The following is an entry in ClinVar:

NM_001378454.1(ALMS1):c.1139_1140dup (p.Ala381Ter)

Gene: ALMS1 (ALMS1 centrosome and basal body associated protein; plus strand). Cytogenetic location: 2p13.1.
Variant type: Duplication.
Coding change: c.1139_1140dup on transcript NM_001378454.1 (MANE Select); coding-DNA positions 1139 to 1140, 2 bases duplicated (TA; older notation c.1139_1140dupTA).
Protein change: p.Ala381Ter; replaces alanine 381 with a stop codon.
Molecular consequence: nonsense.
Genome position (GRCh38, 1-based): chr2:73,424,804-73,424,805, TA duplicated; duplicating any 2 consecutive bases within chr2:73,424,803-73,424,805 gives the same sequence; the c. name uses the placement nearest the transcript's 3' end. VCF-style (leftmost placement, unchanged base first): chr2-73424802-C-CAT. GRCh37 (hg19) VCF-style: chr2-73651930-C-CAT.
Other names: c.1142_1143dup, p.Ala382Ter (NM_015120.4); short protein forms A381*, A382*.
Identifiers: ClinVar variation 2108011 (VCV002108011.4), dbSNP rs2466047383, ClinGen allele CA2580067888.

ClinVar aggregate classification (germline): Pathogenic (1 of 4 stars; one submission).

Conditions:
Alstrom syndrome (ALMS). Identifiers: Orphanet 64, MedGen C0268425, MONDO:0008763, OMIM 203800.

Submission:

Labcorp Genetics (formerly Invitae), Labcorp
Classification: Pathogenic for Alstrom syndrome. Last evaluated: 2023-07-07. Review status: criteria provided, single submitter. Criteria: Invitae Variant Classification Sherloc (09022015). Collection method: clinical testing. Allele origin: germline.
Comment: This sequence change creates a premature translational stop signal (p.Ala382*) in the ALMS1 gene. It is expected to result in an absent or disrupted protein product. Loss-of-function variants in ALMS1 are known to be pathogenic (PMID: 17594715). This variant is not present in population databases (gnomAD no frequency). This variant has not been reported in the literature in individuals affected with ALMS1-related conditions. ClinVar contains an entry for this variant (Variation ID: 2108011). Algorithms developed to predict the effect of sequence changes on RNA splicing suggest that this variant may disrupt the consensus splice site. For these reasons, this variant has been classified as Pathogenic.

Literature cited by the submitters: PubMed 17594715.